The following is an entry in ClinVar:

ClinVar aggregate classification (germline): Uncertain significance (0 of 4 stars; one submission).

Conditions:
ARID5B-related disorder. Also called: ARID5B-related condition.

gnomAD v4.1: 33 of 1,613,942 alleles (0.002%); highest among the groups gnomAD compares: Non-Finnish European, 0.0027%; no homozygotes.

Submission:

PreventionGenetics, part of Exact Sciences
Classification: Uncertain significance for ARID5B-related condition. Last evaluated: 2024-03-14. Review status: no assertion criteria provided. Collection method: clinical testing. Allele origin: germline.
Comment: The ARID5B c.1322C>A variant is predicted to result in the amino acid substitution p.Thr441Asn. To our knowledge, this variant has not been reported in the literature. This variant is reported in 0.0079% of alleles in individuals of European (Non-Finnish) descent in gnomAD. At this time, the clinical significance of this variant is uncertain due to the absence of conclusive functional and genetic evidence.

NM_032199.3(ARID5B):c.1322C>A (p.Thr441Asn)

Gene: ARID5B (AT-rich interaction domain 5B; plus strand). Cytogenetic location: 10q21.2.
Variant type: single nucleotide variant.
Coding change: c.1322C>A on transcript NM_032199.3 (MANE Select); coding-DNA position 1322, C replaced by A.
Protein change: p.Thr441Asn; replaces threonine 441 with asparagine.
Molecular consequence: missense variant.
Genome position (GRCh38, 1-based): chr10:62,085,824, C>A. VCF-style: chr10-62085824-C-A. GRCh37 (hg19) VCF-style: chr10-63845583-C-A.
Other names: c.593C>A, p.Thr198Asn (NM_001244638.2); short protein forms T198N, T441N.
Identifiers: ClinVar variation 3356769 (VCV003356769.1).
Genomic context (GRCh38, chr10:62,085,824, plus strand): 5'-AACCTCGGAAACAGGAGAACAGTTCACAGGAAAATGAGAACAAAACAAAAGTATCTGGAA[C>A]CAAACGCATCAAACATGAAATACCTAAAAGCAAGAAAGAAAAAGAAAATGCCCCAAAGCC-3'
Protein context (NP_115575.1, residues 431-451): ENENKTKVSG[Thr441Asn]KRIKHEIPKS